The following is an entry in ClinVar:

NM_021964.3(ZNF148):c.1235C>T (p.Ser412Leu)

Gene: ZNF148 (zinc finger protein 148; minus strand). Cytogenetic location: 3q21.2.
Variant type: single nucleotide variant.
Coding change: c.1235C>T on transcript NM_021964.3 (MANE Select); coding-DNA position 1235, C replaced by T.
Protein change: p.Ser412Leu; replaces serine 412 with leucine.
Molecular consequence: missense variant.
Genome position (GRCh38, 1-based): chr3:125,233,491, G>A on the plus strand (C>T on the coding strand, the complement: ZNF148 is on the minus strand). VCF-style: chr3-125233491-G-A. GRCh37 (hg19) VCF-style: chr3-124952335-G-A.
Other names: c.1235C>T, p.Ser412Leu (NM_001348424.1, NM_001348425.2, NM_001348426.2 and 7 more transcripts); c.1109C>T, p.Ser370Leu (NM_001348434.2); short protein forms S370L, S412L.
Identifiers: ClinVar variation 3378231 (VCV003378231.1).
Genomic context (GRCh38, chr3:125,233,491, plus strand): 5'-TTATCCACAAGTTCAAAAGCATACTTTGAAACTTTGCTCTCTTCATATGTGGATAAAGGT[G>A]AAATTGTTTGATTTTGCTCCAGTGGCTGTTTCAGACTTCTCTTACTATTAATTTTTTTGA-3'
Protein context (NP_068799.2, residues 402-422): KQPLEQNQTI[Ser412Leu]PLSTYEESKV

ClinVar aggregate classification (germline): Uncertain significance (1 of 4 stars; one submission).

gnomAD v4.1: 1 of 1,613,904 alleles (0.000062%); highest among the groups gnomAD compares: Non-Finnish European, 0.000085%; no homozygotes.

Submission:

GeneDx
Classification: Uncertain significance. Last evaluated: 2024-05-13. Review status: criteria provided, single submitter. Criteria: GeneDx Variant Classification Process June 2021. Collection method: clinical testing. Allele origin: germline. Affected: yes.
Comment: Not observed at significant frequency in large population cohorts (gnomAD); In silico analysis indicates that this missense variant does not alter protein structure/function; Has not been previously published as pathogenic or benign to our knowledge